The following is an entry in ClinVar:

ClinVar aggregate classification (germline): Uncertain significance (1 of 4 stars; one submission).

Submission:

Women's Health and Genetics/Laboratory Corporation of America, LabCorp
Classification: Uncertain significance. Last evaluated: 2024-10-24. Review status: criteria provided, single submitter. Criteria: LabCorp Variant Classification Summary - May 2015. Collection method: clinical testing. Allele origin: germline.
Comment: Variant summary: The variant involves the duplication of exons 1-2 in the SLC35C1 gene. A presumed nomenclature of c.(?_-654)_(*1682_?)dup has been designated for the purposes of this classification. This duplication includes the entire coding sequence of the gene. As exact breakpoints are unknown, it may extend beyond the annotated region of the gene, to include other flanking genes. The frequency of this variant in the general population could not be determined as the technology used for large population databases (ExAC, gnomAD, ESP, 1000G) cannot detect variants of this type. The available data on variant occurrences in the general population are insufficient to allow any conclusion about variant significance. To our knowledge, no occurrence of c.(?_-654)_(*1682_?)dup in individuals affected with Leukocyte Adhesion Deficiency Type II and no experimental evidence demonstrating its impact on protein function have been reported. No submitters have cited clinical-significance assessments for this variant to ClinVar. Based on the evidence outlined above, the variant was classified as uncertain significance.

NC_000011.9:g.(?_45826699)_(45834568_?)dup

Gene: SLC35C1 (solute carrier family 35 member C1; plus strand). Cytogenetic location: 11p11.2.
Variant type: Duplication.
Identifiers: ClinVar variation 3385105 (VCV003385105.1).